The following is an entry in ClinVar:

NM_018685.5(ANLN):c.2482G>A (p.Ala828Thr)

Gene: ANLN (anillin, actin binding protein; plus strand). Cytogenetic location: 7p14.2.
Variant type: single nucleotide variant.
Coding change: c.2482G>A on transcript NM_018685.5 (MANE Select); coding-DNA position 2482, G replaced by A.
Protein change: p.Ala828Thr; replaces alanine 828 with threonine.
Molecular consequence: missense variant.
Genome position (GRCh38, 1-based): chr7:36,423,822, G>A. VCF-style: chr7-36423822-G-A. GRCh37 (hg19) VCF-style: chr7-36463431-G-A.
Other names: c.2371G>A, p.Ala791Thr (NM_001284301.3); c.2368G>A, p.Ala790Thr (NM_001284302.3); short protein forms A791T, A790T, A828T.
Identifiers: ClinVar variation 2485608 (VCV002485608.4), dbSNP rs747357060, ClinGen allele CA4219881.

ClinVar aggregate classification (germline): Uncertain significance. Review status: criteria provided, multiple submitters, no conflicts (2 of 4 stars). 2 submissions from 2 submitters: Uncertain significance (2). Last evaluated 2024-02-02.

Allele frequency attached by ClinVar (database versions not stated): gnomAD exomes below 0.00001; ExAC 0.00001; gnomAD 0.00001; TOPMed 0.00001.

Submissions (2):

Labcorp Genetics (formerly Invitae), Labcorp
Classification: Uncertain significance. Last evaluated: 2024-02-02. Review status: criteria provided, single submitter. Criteria: Invitae Variant Classification Sherloc (09022015). Collection method: clinical testing. Allele origin: germline.
Comment: This sequence change replaces alanine, which is neutral and non-polar, with threonine, which is neutral and polar, at codon 828 of the ANLN protein (p.Ala828Thr). This variant is present in population databases (rs747357060, gnomAD 0.002%). This variant has not been reported in the literature in individuals affected with ANLN-related conditions. ClinVar contains an entry for this variant (Variation ID: 2485608). Advanced modeling of protein sequence and biophysical properties (such as structural, functional, and spatial information, amino acid conservation, physicochemical variation, residue mobility, and thermodynamic stability) performed at Invitae indicates that this missense variant is not expected to disrupt ANLN protein function with a negative predictive value of 80%. In summary, the available evidence is currently insufficient to determine the role of this variant in disease. Therefore, it has been classified as a Variant of Uncertain Significance.

Ambry Genetics
Classification: Uncertain significance. Last evaluated: 2023-02-16. Review status: criteria provided, single submitter. Criteria: Ambry Variant Classification Scheme 2023. Collection method: clinical testing. Allele origin: germline.